The following is an entry in ClinVar:

NM_004082.5(DCTN1):c.2039A>G (p.Asp680Gly)

Gene: DCTN1 (dynactin subunit 1; minus strand). Cytogenetic location: 2p13.1.
Variant type: single nucleotide variant.
Coding change: c.2039A>G on transcript NM_004082.5 (MANE Select); coding-DNA position 2039, A replaced by G.
Protein change: p.Asp680Gly; replaces aspartic acid 680 with glycine.
Molecular consequence: missense variant. On other transcripts: non-coding transcript variant (1).
Genome position (GRCh38, 1-based): chr2:74,367,841, T>C on the plus strand (A>G on the coding strand, the complement: DCTN1 is on the minus strand). VCF-style: chr2-74367841-T-C. GRCh37 (hg19) VCF-style: chr2-74594968-T-C.
Other names: c.1979A>G, p.Asp660Gly (NM_001135040.3); c.1637A>G, p.Asp546Gly (NM_001135041.3, NM_023019.4); c.1928A>G, p.Asp643Gly (NM_001190836.2); c.2018A>G, p.Asp673Gly (NM_001190837.2); c.1988A>G, p.Asp663Gly (NM_001378991.1); c.1970A>G, p.Asp657Gly (NM_001378992.1); short protein forms D643G, D673G, D546G, D657G, D660G, D663G, D680G.
Identifiers: ClinVar variation 1505860 (VCV001505860.6), dbSNP rs2103630948, ClinGen allele CA347351396.

ClinVar aggregate classification (germline): Uncertain significance (1 of 4 stars; one submission).

Conditions:
Amyotrophic lateral sclerosis type 1 (ALS1). Also called: AMYOTROPHIC LATERAL SCLEROSIS 1, FAMILIAL. Identifiers: Orphanet 803, MedGen C1862939, MONDO:0007103, OMIM 105400.
Perry syndrome. Also called: PARKINSONISM WITH ALVEOLAR HYPOVENTILATION AND MENTAL DEPRESSION. Identifiers: Orphanet 178509, MedGen C1868594, MONDO:0008201, OMIM 168605.
Neuronopathy, distal hereditary motor, type 7B. Also called: Distal Hereditary Motor Neuronopathy Type 7B (dHMN7B); NEURONOPATHY, DISTAL HEREDITARY MOTOR, AUTOSOMAL DOMINANT 14; NEURONOPATHY, DISTAL HEREDITARY MOTOR, HARDING TYPE VIIB; NEUROPATHY, DISTAL HEREDITARY MOTOR, HARDING TYPE VIIB; NEUROPATHY, DISTAL HEREDITARY MOTOR, WITH VOCAL CORD PARALYSIS, HARDING TYPE VIIB; HMN VIIB. Identifiers: Orphanet 139589, MedGen C1843315, MONDO:0011879, OMIM 607641.

Submission:

Labcorp Genetics (formerly Invitae), Labcorp
Classification: Uncertain significance for Amyotrophic lateral sclerosis type 1; Neuronopathy, distal hereditary motor, type 7B; Perry syndrome. Last evaluated: 2022-08-22. Review status: criteria provided, single submitter. Criteria: Invitae Variant Classification Sherloc (09022015). Collection method: clinical testing. Allele origin: germline.
Comment: In summary, the available evidence is currently insufficient to determine the role of this variant in disease. Therefore, it has been classified as a Variant of Uncertain Significance. Algorithms developed to predict the effect of sequence changes on RNA splicing suggest that this variant may create or strengthen a splice site. Algorithms developed to predict the effect of missense changes on protein structure and function are either unavailable or do not agree on the potential impact of this missense change (SIFT: "Deleterious"; PolyPhen-2: "Benign"; Align-GVGD: "Class C65"). ClinVar contains an entry for this variant (Variation ID: 1505860). This variant has not been reported in the literature in individuals affected with DCTN1-related conditions. This variant is not present in population databases (gnomAD no frequency). This sequence change replaces aspartic acid, which is acidic and polar, with glycine, which is neutral and non-polar, at codon 680 of the DCTN1 protein (p.Asp680Gly).